The following is an entry in ClinVar:

ClinVar aggregate classification (germline): Uncertain significance (1 of 4 stars; one submission).

Conditions:
Congenital myotonia, autosomal dominant form (THD). Also called: THOMSEN DISEASE; Myotonia congenita autosomal dominant. Identifiers: Orphanet 614, MedGen C2936781, MONDO:0008055, OMIM 160800.
Congenital myotonia, autosomal recessive form. Also called: BECKER DISEASE; Becker Generalized Myotonia; myotonia congenita, autosomal recessive. Identifiers: Orphanet 614, MedGen C0751360, MONDO:0009715, OMIM 255700.

Allele frequency attached by ClinVar (database versions not stated): TOPMed below 0.00001; gnomAD 0.00001.
gnomAD v4.1: 1 of 1,613,952 alleles (0.000062%); highest among the groups gnomAD compares: East Asian, 0.0022%; no homozygotes.

Submission:

Labcorp Genetics (formerly Invitae), Labcorp
Classification: Uncertain significance for Congenital myotonia, autosomal recessive form; Congenital myotonia, autosomal dominant form. Last evaluated: 2025-02-10. Review status: criteria provided, single submitter. Criteria: Invitae Variant Classification Sherloc (09022015). Collection method: clinical testing. Allele origin: germline.
Comment: This sequence change replaces glycine, which is neutral and non-polar, with serine, which is neutral and polar, at codon 188 of the CLCN1 protein (p.Gly188Ser). This variant also falls at the last nucleotide of exon 4, which is part of the consensus splice site for this exon. This variant is not present in population databases (gnomAD no frequency). This variant has not been reported in the literature in individuals affected with CLCN1-related conditions. ClinVar contains an entry for this variant (Variation ID: 2943938). An algorithm developed to predict the effect of missense changes on protein structure and function (PolyPhen-2) suggests that this variant is likely to be disruptive. Variants that disrupt the consensus splice site are a relatively common cause of aberrant splicing (PMID: 17576681, 9536098). Algorithms developed to predict the effect of sequence changes on RNA splicing suggest that this variant may disrupt the consensus splice site. In summary, the available evidence is currently insufficient to determine the role of this variant in disease. Therefore, it has been classified as a Variant of Uncertain Significance.

Literature cited by the submitters: PubMed 17576681; PubMed 9536098.

NM_000083.3(CLCN1):c.562G>A (p.Gly188Ser)

Gene: CLCN1 (chloride voltage-gated channel 1; plus strand). Cytogenetic location: 7q34.
Variant type: single nucleotide variant.
Coding change: c.562G>A on transcript NM_000083.3 (MANE Select); coding-DNA position 562, G replaced by A.
Protein change: p.Gly188Ser; replaces glycine 188 with serine.
Molecular consequence: missense variant. On other transcripts: non-coding transcript variant (1).
Genome position (GRCh38, 1-based): chr7:143,321,493, G>A. VCF-style: chr7-143321493-G-A. GRCh37 (hg19) VCF-style: chr7-143018586-G-A.
Other names: short protein forms G188S.
Identifiers: ClinVar variation 2943938 (VCV002943938.3), dbSNP rs1302735361, ClinGen allele CA369684106.